The following is an entry in ClinVar:

NM_001013839.4(EXOC7):c.402G>A (p.Pro134=)

Gene: EXOC7 (exocyst complex component 7; minus strand). Cytogenetic location: 17q25.1.
Variant type: single nucleotide variant.
Coding change: c.402G>A on transcript NM_001013839.4 (MANE Select); coding-DNA position 402, G replaced by A.
Protein change: p.Pro134=; no amino-acid change (proline 134 retained).
Molecular consequence: synonymous variant.
Genome position (GRCh38, 1-based): chr17:76,101,286, C>T on the plus strand (G>A on the coding strand, the complement: EXOC7 is on the minus strand). VCF-style: chr17-76101286-C-T. GRCh37 (hg19) VCF-style: chr17-74097367-C-T.
Other names: c.279G>A, p.Pro93= (NM_001145296.1, NM_001282313.2); c.402G>A, p.Pro134= (NM_001145297.4, NM_001145298.4, NM_001145299.4 and 5 more transcripts).
Identifiers: ClinVar variation 2648299 (VCV002648299.24), dbSNP rs201972335, ClinGen allele CA8781712.

ClinVar aggregate classification (germline): Likely benign (1 of 4 stars; one submission).

Allele frequency attached by ClinVar (database versions not stated): ESP Exome Variant Server 0.00008; gnomAD 0.00009; gnomAD exomes 0.00009; TOPMed 0.00009; ExAC 0.00014.
gnomAD v4.1: 149 of 1,613,986 alleles (0.0092%); highest among the groups gnomAD compares: Middle Eastern, 0.082%; no homozygotes.

Submission:

CeGaT Center for Human Genetics Tuebingen
Classification: Likely benign. Last evaluated: 2022-06-01. Review status: criteria provided, single submitter. Criteria: CeGaT Center For Human Genetics Tuebingen Variant Classification Criteria Version 2. Collection method: clinical testing. Allele origin: germline. Affected: yes. Observed: 1 variant allele.
Comment: EXOC7: BP4, BP7